The following is an entry in ClinVar:

ClinVar aggregate classification (germline): Uncertain significance (1 of 4 stars; one submission).

Conditions:
LAMA2-related muscular dystrophy (LAMA2-RD). Also called: Laminin alpha 2-related dystrophy. Identifiers: MedGen C5679788, MONDO:0100228.

Submission:

Labcorp Genetics (formerly Invitae), Labcorp
Classification: Uncertain significance for LAMA2-related muscular dystrophy. Last evaluated: 2025-05-01. Review status: criteria provided, single submitter. Criteria: Invitae Variant Classification Sherloc (09022015). Collection method: clinical testing. Allele origin: germline.
Comment: This sequence change replaces isoleucine, which is neutral and non-polar, with valine, which is neutral and non-polar, at codon 2990 of the LAMA2 protein (p.Ile2990Val). This variant is not present in population databases (gnomAD no frequency). This variant has not been reported in the literature in individuals affected with LAMA2-related conditions. Invitae Evidence Modeling of protein sequence and biophysical properties (such as structural, functional, and spatial information, amino acid conservation, physicochemical variation, residue mobility, and thermodynamic stability) indicates that this missense variant is not expected to disrupt LAMA2 protein function with a negative predictive value of 95%. In summary, the available evidence is currently insufficient to determine the role of this variant in disease. Therefore, it has been classified as a Variant of Uncertain Significance.

NM_000426.4(LAMA2):c.8968A>G (p.Ile2990Val)

Gene: LAMA2 (laminin subunit alpha 2; plus strand). Cytogenetic location: 6q22.33.
Variant type: single nucleotide variant.
Coding change: c.8968A>G on transcript NM_000426.4 (MANE Select); coding-DNA position 8968, A replaced by G.
Protein change: p.Ile2990Val; replaces isoleucine 2990 with valine.
Molecular consequence: missense variant.
Genome position (GRCh38, 1-based): chr6:129,512,473, A>G. VCF-style: chr6-129512473-A-G. GRCh37 (hg19) VCF-style: chr6-129833618-A-G.
Other names: c.8956A>G, p.Ile2986Val (NM_001079823.2); short protein forms I2986V, I2990V.
Identifiers: ClinVar variation 4801392 (VCV004801392.1).